The following is an entry in ClinVar:

NM_007294.4(BRCA1):c.3308G>T (p.Cys1103Phe)

Genes: BRCA1 (BRCA1 DNA repair associated; minus strand), LOC126862571 (BRD4-independent group 4 enhancer GRCh37_chr17:41243136-41244335; plus strand). Cytogenetic location: 17q21.31.
Variant type: single nucleotide variant.
Coding change: c.3308G>T on transcript NM_007294.4 (MANE Select); coding-DNA position 3308, G replaced by T.
Protein change: p.Cys1103Phe; replaces cysteine 1103 with phenylalanine.
Molecular consequence: missense variant. On other transcripts: intron variant (137).
Genome position (GRCh38, 1-based): chr17:43,092,223, C>A on the plus strand (G>T on the coding strand, the complement: BRCA1 is on the minus strand). VCF-style: chr17-43092223-C-A. GRCh37 (hg19) VCF-style: chr17-41244240-C-A.
Other names: c.3095G>T, p.Cys1032Phe (NM_001407571.1, NM_001407853.1, NM_001407894.1 and 9 more transcripts); c.3308G>T, p.Cys1103Phe (NM_001407581.1, NM_001407582.1, NM_001407583.1 and 30 more transcripts); c.3305G>T, p.Cys1102Phe (NM_001407587.1, NM_001407590.1, NM_001407591.1 and 22 more transcripts); c.3299G>T, p.Cys1100Phe (NM_001407646.1, NM_001407647.1); c.3185G>T, p.Cys1062Phe (NM_001407648.1, NM_001407664.1, NM_001407665.1 and 19 more transcripts); c.3182G>T, p.Cys1061Phe (NM_001407649.1, NM_001407670.1, NM_001407671.1 and 11 more transcripts); c.3230G>T, p.Cys1077Phe (NM_001407653.1, NM_001407654.1, NM_001407655.1 and 4 more transcripts); c.3227G>T, p.Cys1076Phe (NM_001407659.1, NM_001407660.1, NM_001407661.1 and 1 more transcripts); and 41 more; short protein forms C1103F, C1056F, C1015F, C1076F, C935F, C992F, C1014F, C1032F.
Identifiers: ClinVar variation 54832 (VCV000054832.19), dbSNP rs80357135, ClinGen allele CA002134.

ClinVar aggregate classification (germline): Conflicting classifications of pathogenicity. Review status: criteria provided, conflicting classifications (1 of 4 stars). 6 submissions from 6 submitters: Uncertain significance (3); Likely benign (1). 2 of the submissions do not count toward it. Last evaluated 2024-12-12.

Conditions:
Hereditary cancer-predisposing syndrome. Also called: Tumor predisposition; Neoplastic Syndromes, Hereditary; Hereditary Cancer Syndrome; Hereditary neoplastic syndrome. Identifiers: Orphanet 140162, MedGen C0027672, MeSH D009386, MONDO:0015356.
Hereditary breast ovarian cancer syndrome. Also called: Hereditary breast and ovarian cancer syndrome (HBOC); Hereditary breast and ovarian cancer syndrome; Hereditary breast and ovarian cancer; Hereditary breast and/or ovarian cancer syndrome; Breast and ovarian cancer; BRCA1- and BRCA2-Associated Hereditary Breast and Ovarian Cancer. Identifiers: Orphanet 145, MedGen C0677776, MeSH D061325, MONDO:0003582. Disease mechanism: loss of function.
Breast-ovarian cancer, familial, susceptibility to, 1 (BROVCA1). Also called: OVARIAN CANCER, SUSCEPTIBILITY TO; BRCA1 Hereditary Breast and Ovarian Cancer. Identifiers: Orphanet 145, MedGen C2676676, MONDO:0011450, OMIM 604370. Disease mechanism: loss of function.

Submissions (6):

Labcorp Genetics (formerly Invitae), Labcorp
Classification: Uncertain significance for Hereditary breast ovarian cancer syndrome. Last evaluated: 2024-12-12. Review status: criteria provided, single submitter. Criteria: Invitae Variant Classification Sherloc (09022015). Collection method: clinical testing. Allele origin: germline.
Comment: This sequence change replaces cysteine, which is neutral and slightly polar, with phenylalanine, which is neutral and non-polar, at codon 1103 of the BRCA1 protein (p.Cys1103Phe). This variant is not present in population databases (gnomAD no frequency). This variant has not been reported in the literature in individuals affected with BRCA1-related conditions. ClinVar contains an entry for this variant (Variation ID: 54832). Invitae Evidence Modeling of protein sequence and biophysical properties (such as structural, functional, and spatial information, amino acid conservation, physicochemical variation, residue mobility, and thermodynamic stability) indicates that this missense variant is not expected to disrupt BRCA1 protein function with a negative predictive value of 80%. In summary, the available evidence is currently insufficient to determine the role of this variant in disease. Therefore, it has been classified as a Variant of Uncertain Significance.

Ambry Genetics
Classification: Uncertain significance for Hereditary cancer-predisposing syndrome. Last evaluated: 2024-02-12. Review status: criteria provided, single submitter. Criteria: Ambry Variant Classification Scheme 2023. Collection method: clinical testing. Allele origin: germline.
Comment: The p.C1103F variant (also known as c.3308G>T), located in coding exon 9 of the BRCA1 gene, results from a G to T substitution at nucleotide position 3308. The cysteine at codon 1103 is replaced by phenylalanine, an amino acid with highly dissimilar properties. This amino acid position is not well conserved in available vertebrate species. In addition, the in silico prediction for this alteration is inconclusive. Since supporting evidence is limited at this time, the clinical significance of this alteration remains unclear.

Quest Diagnostics Nichols Institute San Juan Capistrano
Classification: Uncertain significance. Last evaluated: 2023-08-24. Review status: criteria provided, single submitter. Criteria: Quest Diagnostics criteria. Collection method: clinical testing. Allele origin: unknown.
Comment: In the published literature, this variant has been reported to be located in a region of the BRCA1 gene that is tolerant to missense sequence changes (PMID: 31911673 (2020)). This variant has not been reported in large, multi-ethnic general populations (Genome Aggregation Database). Analysis of this variant using bioinformatics tools for the prediction of the effect of amino acid changes on protein structure and function yielded predictions that this variant is benign. Based on the available information, we are unable to determine the clinical significance of this variant.

University of Washington Department of Laboratory Medicine, University of Washington
Classification: Likely benign for Hereditary cancer-predisposing syndrome. Last evaluated: 2023-03-23. Review status: criteria provided, single submitter. Criteria: Dines et al. (Genet Med. 2020). Collection method: curation. Allele origin: germline.
Comment: Missense variant in a coldspot region where missense variants are very unlikely to be pathogenic (PMID:31911673).

BRCA1 coldspot (exon 11 using historical exon numbering). Reclassification based on statistical prior probability

Counsyl
Classification: Uncertain significance for Breast-ovarian cancer, familial, susceptibility to, 1. Last evaluated: 2017-12-27. Review status: no assertion criteria provided. Collection method: clinical testing. Allele origin: unknown. Not counted in ClinVar's aggregate classification.

Breast Cancer Information Core (BIC) (BRCA1)
Classification: Uncertain significance for Breast-ovarian cancer, familial 1. Last evaluated: 1998-11-30. Review status: no assertion criteria provided. Collection method: clinical testing. Allele origin: germline. Affected: yes. Observed: 1 variant allele. Not counted in ClinVar's aggregate classification.

Literature cited by the submitters: PubMed 16518693 (cited by Ambry Genetics); PubMed 31911673 (cited by Quest Diagnostics Nichols Institute San Juan Capistrano).